The following is an entry in ClinVar:

ClinVar aggregate classification (germline): Likely pathogenic (1 of 4 stars; one submission).

Conditions:
Autosomal recessive nonsyndromic hearing loss 3. Also called: NEUROSENSORY NONSYNDROMIC RECESSIVE DEAFNESS 3. Identifiers: Orphanet 90636, MedGen C1838263, MONDO:0010860, OMIM 600316.

Submission:

Institute of Rare Diseases, West China Hospital, Sichuan University
Classification: Likely pathogenic for Autosomal recessive nonsyndromic hearing loss 3. Last evaluated: 2025-01-09. Review status: criteria provided, single submitter. Criteria: ClinGen HL ACMG Specifications v1. Collection method: research. Allele origin: germline. Affected: yes.
Comment: PVS1;PM2_Supporting

NM_016239.4(MYO15A):c.2889_2890del (p.Phe964fs)

Gene: MYO15A (myosin XVA; plus strand). Cytogenetic location: 17p11.2.
Variant type: Deletion.
Coding change: c.2889_2890del on transcript NM_016239.4 (MANE Select); coding-DNA positions 2889 to 2890, 2 bases deleted (CT; older notation c.2889_2890delCT).
Protein change: p.Phe964fs; shifts the reading frame from phenylalanine 964.
Molecular consequence: frameshift variant.
Genome position (GRCh38, 1-based): chr17:18,121,689-18,121,690, CT deleted. VCF-style (leftmost placement, unchanged base first): chr17-18121688-CCT-C. GRCh37 (hg19) VCF-style: chr17-18025002-CCT-C.
Other names: short protein forms F964fs.
Identifiers: ClinVar variation 3601313 (VCV003601313.1).